The following is an entry in ClinVar:

ClinVar aggregate classification (germline): Likely pathogenic (1 of 4 stars; one submission).

Conditions:
Tuberous sclerosis 2 (TSC2). Identifiers: Orphanet 805, MedGen C1860707, MONDO:0013199, OMIM 613254.

Submission:

Oasi Research Institute-IRCCS
Classification: Likely pathogenic for Tuberous sclerosis 2. Review status: criteria provided, single submitter. Criteria: ACMG Guidelines, 2015. Collection method: research. Allele origin: de novo. Affected: yes.
Comment: The genomic variant c.3393G>C is a single nucleotide substitution. ACMG criteria: PP4 (phenotype match), PM2 (absent from control), PP3 (in silico evidence), PS2 (de novo) = Likely Pathogenic. Based on the evidence outlined above, the variant was classified as likely pathogenic.

NM_000548.5(TSC2):c.3393G>C (p.Met1131Ile)

Gene: TSC2 (TSC complex subunit 2; plus strand). Cytogenetic location: 16p13.3.
Variant type: single nucleotide variant.
Coding change: c.3393G>C on transcript NM_000548.5 (MANE Select); coding-DNA position 3393, G replaced by C.
Protein change: p.Met1131Ile; replaces methionine 1131 with isoleucine.
Molecular consequence: missense variant. On other transcripts: non-coding transcript variant (5).
Genome position (GRCh38, 1-based): chr16:2,079,665, G>C. VCF-style: chr16-2079665-G-C. GRCh37 (hg19) VCF-style: chr16-2129666-G-C.
Other names: c.2661G>C, p.Met887Ile (NM_001406687.1, NM_001406688.1, NM_001318831.2); c.2049G>C, p.Met683Ile (NM_001406689.1); c.1920G>C, p.Met640Ile (NM_001406690.1, NM_001406692.1, NM_001406693.1 and 1 more transcripts); c.1917G>C, p.Met639Ile (NM_001406691.1, NM_001406695.1, NM_001406696.1 and 1 more transcripts); c.3261G>C, p.Met1087Ile (NM_001077183.3, NM_001370404.1, NM_001406665.1); c.3393G>C, p.Met1131Ile (NM_001114382.3); c.3153G>C, p.Met1051Ile (NM_001318827.2); c.3117G>C, p.Met1039Ile (NM_001318829.2); and 18 more; short protein forms M1038I, M1039I, M1050I, M1051I, M1068I, M1081I, M1082I, M1083I.
Identifiers: ClinVar variation 3777068 (VCV003777068.1).